The following is an entry in ClinVar:

NM_004655.4(AXIN2):c.-116-16T>G

Gene: AXIN2 (axin 2; minus strand). Cytogenetic location: 17q24.1.
Variant type: single nucleotide variant.
Coding change: c.-116-16T>G on transcript NM_004655.4 (MANE Select); 16 bases into the intron before 116 bases upstream of the start codon, T replaced by G.
Molecular consequence: intron variant.
Genome position (GRCh38, 1-based): chr17:65,558,752, A>C on the plus strand (T>G on the coding strand, the complement: AXIN2 is on the minus strand). VCF-style: chr17-65558752-A-C. GRCh37 (hg19) VCF-style: chr17-63554870-A-C.
Other names: c.-116-16T>G (LRG_296t1, NM_001363813.1).
Identifiers: ClinVar variation 392639 (VCV000392639.1), dbSNP rs1057524576, ClinGen allele CA16607473.

ClinVar aggregate classification (germline): Likely benign (1 of 4 stars; one submission).

Allele frequency attached by ClinVar (database versions not stated): gnomAD 0.00001; gnomAD exomes 0.00001; TOPMed 0.00002.
gnomAD v4.1: 7 of 935,540 alleles (0.00075%); highest among the groups gnomAD compares: Non-Finnish European, 0.0012%; no homozygotes.

Submission:

GeneDx
Classification: Likely benign. Last evaluated: 2017-01-04. Review status: criteria provided, single submitter. Criteria: GeneDx Variant Classification (06012015). Collection method: clinical testing. Allele origin: germline. Affected: yes.
Comment: This variant is considered likely benign or benign based on one or more of the following criteria: it is a conservative change, it occurs at a poorly conserved position in the protein, it is predicted to be benign by multiple in silico algorithms, and/or has population frequency not consistent with disease.